The following is an entry in ClinVar:

NM_002392.6(MDM2):c.14+3A>G

Genes: MDM2 (MDM2 proto-oncogene; plus strand), LOC126861563 (CDK7 strongly-dependent group 2 enhancer GRCh37_chr12:69202246-69203445; plus strand). Cytogenetic location: 12q15.
Variant type: single nucleotide variant.
Coding change: c.14+3A>G on transcript NM_002392.6 (MANE Select); 3 bases into the intron after coding-DNA position 14, A replaced by G.
Molecular consequence: intron variant.
Genome position (GRCh38, 1-based): chr12:68,808,494, A>G. VCF-style: chr12-68808494-A-G. GRCh37 (hg19) VCF-style: chr12-69202274-A-G.
Other names: c.14+3A>G (NM_001145339.2).
Identifiers: ClinVar variation 1423262 (VCV001423262.6), dbSNP rs769890846, ClinGen allele CA6678522.

ClinVar aggregate classification (germline): Uncertain significance (1 of 4 stars; one submission).

Conditions:
Accelerated tumor formation, susceptibility to (ACTFS). Identifiers: MedGen C3280690, OMIM 614401, MONDO:0013733.

Allele frequency attached by ClinVar (database versions not stated): gnomAD exomes below 0.00001; ExAC 0.00001; TOPMed 0.00006; gnomAD 0.00007 and 0.00008.
gnomAD v4.1: 13 of 1,613,998 alleles (0.00081%); highest among the groups gnomAD compares: African/African-American, 0.017%; no homozygotes.

Submission:

Labcorp Genetics (formerly Invitae), Labcorp
Classification: Uncertain significance for Accelerated tumor formation, susceptibility to. Last evaluated: 2023-06-14. Review status: criteria provided, single submitter. Criteria: Invitae Variant Classification Sherloc (09022015). Collection method: clinical testing. Allele origin: germline.
Comment: This sequence change falls in intron 1 of the MDM2 gene. It does not directly change the encoded amino acid sequence of the MDM2 protein. It affects a nucleotide within the consensus splice site. This variant is present in population databases (rs769890846, gnomAD 0.007%). This variant has not been reported in the literature in individuals affected with MDM2-related conditions. ClinVar contains an entry for this variant (Variation ID: 1423262). Variants that disrupt the consensus splice site are a relatively common cause of aberrant splicing (PMID: 17576681, 9536098). Algorithms developed to predict the effect of sequence changes on RNA splicing suggest that this variant may disrupt the consensus splice site. In summary, the available evidence is currently insufficient to determine the role of this variant in disease. Therefore, it has been classified as a Variant of Uncertain Significance.

Literature cited by the submitters: PubMed 17576681; PubMed 9536098.